The following is an entry in ClinVar:

NM_000260.4(MYO7A):c.5380G>A (p.Glu1794Lys)

Gene: MYO7A (myosin VIIA; plus strand). Cytogenetic location: 11q13.5.
Variant type: single nucleotide variant.
Coding change: c.5380G>A on transcript NM_000260.4 (MANE Select); coding-DNA position 5380, G replaced by A.
Protein change: p.Glu1794Lys; replaces glutamic acid 1794 with lysine.
Molecular consequence: missense variant.
Genome position (GRCh38, 1-based): chr11:77,204,129, G>A. VCF-style: chr11-77204129-G-A. GRCh37 (hg19) VCF-style: chr11-76915174-G-A.
Other names: c.5266G>A, p.Glu1756Lys (NM_001127180.2); c.5233G>A, p.Glu1745Lys (NM_001369365.1); short protein forms E1794K, E1756K, E1745K.
Identifiers: ClinVar variation 306194 (VCV000306194.57), dbSNP rs762836180, ClinGen allele CA6198699.
Genomic context (GRCh38, chr11:77,204,129, plus strand): 5'-TCCCCAGCTGTGCTCAAGTACATGGGCGACTACCCGTCCAAGAGGACACGCTCCGTCAAC[G>A]AGCTCACCGACCAGATCTTTGAGGGTCCCCTGAAAGCCGAGCCCCTGAAGGACGAGGCAT-3'
Protein context (NP_000251.3, residues 1784-1804): YPSKRTRSVN[Glu1794Lys]LTDQIFEGPL

ClinVar aggregate classification (germline): Uncertain significance. Review status: criteria provided, multiple submitters, no conflicts (2 of 4 stars). 11 submissions from 9 submitters: Uncertain significance (10). 1 of the submissions does not count toward it. Last evaluated 2025-09-26.

Conditions:
Usher syndrome type 1 (USH1). Also called: RETINITIS PIGMENTOSA AND CONGENITAL DEAFNESS. Identifiers: Orphanet 231169, Orphanet 886, MedGen C1568247, MONDO:0010168, OMIM 276900.
MYO7A-related disorder. Also called: MYO7A-related disorders.
Autosomal recessive nonsyndromic hearing loss 2. Also called: NEUROSENSORY NONSYNDROMIC RECESSIVE DEAFNESS 2; DEAFNESS, AUTOSOMAL RECESSIVE 2. Identifiers: Orphanet 90636, MedGen C1838701, MONDO:0010807, OMIM 600060.
Autosomal dominant nonsyndromic hearing loss 11. Identifiers: Orphanet 90635, MedGen C1832475, MONDO:0011032, OMIM 601317.
Usher syndrome type 1B (USH1B). Also called: Usher syndrome type IB. Identifiers: MedGen C1848638, MONDO:0700087.

Allele frequency attached by ClinVar (database versions not stated): gnomAD exomes 0.00006 and 0.00009; ExAC 0.00023; TOPMed 0.00004; gnomAD 0.00005.
gnomAD v4.1: 95 of 1,599,400 alleles (0.0059%); highest among the groups gnomAD compares: Middle Eastern, 0.016%; no homozygotes.

Submissions (11):

PreventionGenetics, part of Exact Sciences
Classification: Uncertain significance for MYO7A-related condition. Last evaluated: 2025-09-26. Review status: criteria provided, single submitter. Criteria: ACMG Guidelines, 2015. Collection method: clinical testing. Allele origin: germline.
Comment: The MYO7A c.5380G>A variant is predicted to result in the amino acid substitution p.Glu1794Lys. This variant was reported in an individual with retinal dystrophy (Table S3, Mihalich et al. 2024. PubMed ID: 38927702). This variant is reported in 0.020% of alleles in individuals of European (Non-Finnish) descent in gnomAD. At this time, the clinical significance of this variant is uncertain due to the absence of conclusive functional and genetic evidence.

GeneDx
Classification: Uncertain significance. Last evaluated: 2025-04-24. Review status: criteria provided, single submitter. Criteria: GeneDx Variant Classification Process June 2021. Collection method: clinical testing. Allele origin: germline. Affected: yes.
Comment: Reported in a patient with cone dystrophy in published literature (PMID: 38927702); In silico analysis supports that this missense variant has a deleterious effect on protein structure/function; This variant is associated with the following publications: (PMID: 38927702)

Blueprint Genetics
Classification: Uncertain significance. Last evaluated: 2023-09-12. Review status: criteria provided, single submitter. Criteria: ACMG Guidelines, 2015. Collection method: clinical testing. Allele origin: germline.

Labcorp Genetics (formerly Invitae), Labcorp
Classification: Uncertain significance. Last evaluated: 2022-01-14. Review status: criteria provided, single submitter. Criteria: Invitae Variant Classification Sherloc (09022015). Collection method: clinical testing. Allele origin: germline.
Comment: This sequence change replaces glutamic acid, which is acidic and polar, with lysine, which is basic and polar, at codon 1794 of the MYO7A protein (p.Glu1794Lys). This variant is present in population databases (rs762836180, gnomAD 0.02%). This variant has not been reported in the literature in individuals affected with MYO7A-related conditions. ClinVar contains an entry for this variant (Variation ID: 306194). Advanced modeling of protein sequence and biophysical properties (such as structural, functional, and spatial information, amino acid conservation, physicochemical variation, residue mobility, and thermodynamic stability) performed at Invitae indicates that this missense variant is expected to disrupt MYO7A protein function. In summary, the available evidence is currently insufficient to determine the role of this variant in disease. Therefore, it has been classified as a Variant of Uncertain Significance.

CeGaT Center for Human Genetics Tuebingen
Classification: Uncertain significance. Last evaluated: 2019-10-01. Review status: criteria provided, single submitter. Criteria: CeGaT Center For Human Genetics Tuebingen Variant Classification Criteria Version 2. Collection method: clinical testing. Allele origin: germline. Affected: yes. Observed: 1 variant allele.

Laboratory for Molecular Medicine, Mass General Brigham Personalized Medicine
Classification: Uncertain significance. Last evaluated: 2018-01-18. Review status: criteria provided, single submitter. Criteria: LMM Criteria. Collection method: clinical testing. Allele origin: germline. Observed: 1 variant allele.
Comment: The p.Glu1794Lys variant in MYO7A has not been previously reported in in the lit erature, but has been reported in ClinVar (Variation ID 306194). It was also ide ntified in 22/113720 European chromosomes by the Genome Aggregation Database (gn omAD; dbSNP rs762836180). Although this varian t has been seen in the general population, its frequency is not high enough to r ule out a pathogenic role. Computational prediction tools and conservation analy sis do not provide strong support for or against an impact to the protein. In su mmary, the clinical significance of the p.Glu1794Lys variant is uncertain. ACMG/ AMP Criteria applied: none.

Illumina Laboratory Services, Illumina
Classification: Uncertain significance for Autosomal dominant nonsyndromic hearing loss 11. Last evaluated: 2018-01-13. Review status: criteria provided, single submitter. Criteria: ICSL Variant Classification Criteria 13 December 2019. Collection method: clinical testing. Allele origin: germline.

Illumina Laboratory Services, Illumina
Classification: Uncertain significance for Usher syndrome type 1. Last evaluated: 2018-01-13. Review status: criteria provided, single submitter. Criteria: ICSL Variant Classification Criteria 13 December 2019. Collection method: clinical testing. Allele origin: germline.

Illumina Laboratory Services, Illumina
Classification: Uncertain significance for Autosomal recessive nonsyndromic hearing loss 2. Last evaluated: 2018-01-13. Review status: criteria provided, single submitter. Criteria: ICSL Variant Classification Criteria 13 December 2019. Collection method: clinical testing. Allele origin: germline.

Breakthrough Genomics
Classification: Uncertain significance. Review status: criteria provided, single submitter. Criteria: ACMG Guidelines, 2015. Collection method: not provided. Allele origin: germline. Inheritance: Autosomal recessive inheritance. Affected: yes.

Natera, Inc.
Classification: Uncertain significance for Usher syndrome type 1B. Last evaluated: 2020-01-30. Review status: no assertion criteria provided. Collection method: clinical testing. Allele origin: germline. Not counted in ClinVar's aggregate classification.